The following is an entry in ClinVar:

ClinVar aggregate classification (germline): Benign (1 of 4 stars; one submission).

Conditions:
Peutz-Jeghers syndrome (PJS). Also called: POLYPOSIS, HAMARTOMATOUS INTESTINAL; POLYPS-AND-SPOTS SYNDROME; Peutz-Jeghers polyposis; Periorificial lentiginosis syndrome. Identifiers: Orphanet 2869, MedGen C0031269, MeSH D010580, MONDO:0008280, OMIM 175200.

gnomAD v4.1: 1 of 1,517,250 alleles (0.000066%); highest among the groups gnomAD compares: Non-Finnish European, 0.000088%; no homozygotes.

Submission:

Myriad Genetics, Inc.
Classification: Benign for Peutz-Jeghers syndrome. Last evaluated: 2025-03-31. Review status: criteria provided, single submitter. Criteria: Myriad Autosomal Dominant, Autosomal Recessive and X-Linked Classification Criteria (2023). Collection method: clinical testing. Allele origin: unknown.
Comment: This variant is considered benign. This variant occurs in the non-coding 3' untranslated region of the gene, and is not expected to impact protein function.

NM_000455.5(STK11):c.*3C>G

Gene: STK11 (serine/threonine kinase 11; plus strand). Cytogenetic location: 19p13.3.
Variant type: single nucleotide variant.
Coding change: c.*3C>G on transcript NM_000455.5 (MANE Select); 3 bases downstream of the stop codon, C replaced by G.
Molecular consequence: 3 prime UTR variant. On other transcripts: non-coding transcript variant (1).
Genome position (GRCh38, 1-based): chr19:1,226,650, C>G. VCF-style: chr19-1226650-C-G. GRCh37 (hg19) VCF-style: chr19-1226649-C-G.
Identifiers: ClinVar variation 3904493 (VCV003904493.1).